The following is an entry in ClinVar:

ClinVar aggregate classification (germline): Uncertain significance. Review status: criteria provided, multiple submitters, no conflicts (2 of 4 stars). 2 submissions from 2 submitters: Uncertain significance (2). Last evaluated 2025-10-22.

Conditions:
Hereditary cancer-predisposing syndrome. Also called: Neoplastic Syndromes, Hereditary; Tumor predisposition; Hereditary neoplastic syndrome; Hereditary Cancer Syndrome. Identifiers: Orphanet 140162, MedGen C0027672, MeSH D009386, MONDO:0015356.

Submissions (2):

Ambry Genetics
Classification: Uncertain significance for Hereditary cancer-predisposing syndrome. Last evaluated: 2025-10-22. Review status: criteria provided, single submitter. Criteria: Ambry Variant Classification Scheme 2023. Collection method: clinical testing. Allele origin: germline.
Comment: The p.Q1430E variant (also known as c.4288C>G), located in coding exon 33 of the POLE gene, results from a C to G substitution at nucleotide position 4288. The glutamine at codon 1430 is replaced by glutamic acid, an amino acid with highly similar properties. This amino acid position is conserved. In addition, the in silico prediction for this alteration is inconclusive. Based on the available evidence, the clinical significance of this variant remains unclear.

Labcorp Genetics (formerly Invitae), Labcorp
Classification: Uncertain significance. Last evaluated: 2024-03-12. Review status: criteria provided, single submitter. Criteria: Invitae Variant Classification Sherloc (09022015). Collection method: clinical testing. Allele origin: germline.
Comment: This sequence change replaces glutamine, which is neutral and polar, with glutamic acid, which is acidic and polar, at codon 1430 of the POLE protein (p.Gln1430Glu). This variant is not present in population databases (gnomAD no frequency). This variant has not been reported in the literature in individuals affected with POLE-related conditions. An algorithm developed to predict the effect of missense changes on protein structure and function (PolyPhen-2) suggests that this variant is likely to be tolerated. Algorithms developed to predict the effect of sequence changes on RNA splicing suggest that this variant may create or strengthen a splice site. In summary, the available evidence is currently insufficient to determine the role of this variant in disease. Therefore, it has been classified as a Variant of Uncertain Significance.

NM_006231.4(POLE):c.4288C>G (p.Gln1430Glu)

Gene: POLE (DNA polymerase epsilon, catalytic subunit; minus strand). Cytogenetic location: 12q24.33.
Variant type: single nucleotide variant.
Coding change: c.4288C>G on transcript NM_006231.4 (MANE Select); coding-DNA position 4288, C replaced by G.
Protein change: p.Gln1430Glu; replaces glutamine 1430 with glutamic acid.
Molecular consequence: missense variant.
Genome position (GRCh38, 1-based): chr12:132,643,839, G>C on the plus strand (C>G on the coding strand, the complement: POLE is on the minus strand). VCF-style: chr12-132643839-G-C. GRCh37 (hg19) VCF-style: chr12-133220425-G-C.
Other names: c.4288C>G (NM_006231.2); short protein forms Q1430E.
Identifiers: ClinVar variation 3645437 (VCV003645437.3).